The following is an entry in ClinVar:

ClinVar aggregate classification (germline): Uncertain significance. Review status: criteria provided, multiple submitters, no conflicts (2 of 4 stars). 2 submissions from 2 submitters: Uncertain significance (2). Last evaluated 2026-03-08.

Conditions:
Generalized epilepsy with febrile seizures plus, type 2 (GEFSP2). Also called: GEFS+, TYPE 2. Identifiers: Orphanet 36387, MedGen C1858673, MONDO:0011461, OMIM 604403.
Severe myoclonic epilepsy in infancy (DRVT). Also called: Severe Myoclonic Epilepsy in Infancy (SMEI); Epileptic encephalopathy, early infantile, 6 (Dravet syndrome); SEVERE MYOCLONIC EPILEPSY OF INFANCY; DEVELOPMENTAL AND EPILEPTIC ENCEPHALOPATHY 6A; Dravet syndrome. Identifiers: Orphanet 33069, MedGen C0751122, MONDO:0100135, OMIM 607208.

Submissions (2):

GeneDx
Classification: Uncertain significance. Last evaluated: 2026-03-08. Review status: criteria provided, single submitter. Criteria: GeneDx Variant Classification Process June 2021. Collection method: clinical testing. Allele origin: germline.
Comment: Not observed at significant frequency in large population cohorts (gnomAD); Has not been previously published as pathogenic or benign to our knowledge; In silico analysis suggests this variant may impact gene splicing. In the absence of RNA/functional studies, the actual effect of this sequence change is unknown.

Clinical Genomics Laboratory, Washington University in St. Louis
Classification: Uncertain significance for Generalized epilepsy with febrile seizures plus, type 2; Severe myoclonic epilepsy in infancy. Last evaluated: 2023-09-28. Review status: criteria provided, single submitter. Criteria: ACMG Guidelines, 2015. Collection method: clinical testing. Allele origin: germline.
Comment: The SCN1A c.2415+3A>G variant, to our knowledge, has not been reported in the medical literature and is absent from the general population (gnomAD v.2.1.1), indicating it is not a common variant. Computational predictors are uncertain as to the impact of this variant on SCN1A function. Due to limited information, and based on ACMG/AMP guidelines for variant interpretation (Richards S et al., PMID: 25741868), the clinical significance of this variant is uncertain at this time.

NM_001165963.4(SCN1A):c.2415+3A>G

Gene: SCN1A (sodium voltage-gated channel alpha subunit 1; minus strand). Cytogenetic location: 2q24.3.
Variant type: single nucleotide variant.
Coding change: c.2415+3A>G on transcript NM_001165963.4 (MANE Select); 3 bases into the intron after coding-DNA position 2415, A replaced by G.
Molecular consequence: intron variant. On other transcripts: 5 prime UTR variant (1).
Genome position (GRCh38, 1-based): chr2:166,041,228, T>C on the plus strand (A>G on the coding strand, the complement: SCN1A is on the minus strand). VCF-style: chr2-166041228-T-C. GRCh37 (hg19) VCF-style: chr2-166897738-T-C.
Other names: c.-41A>G (NM_001353961.2); c.2382+3A>G (NM_001353949.2, NM_001353950.2, NM_001353951.2 and 2 more transcripts); c.2331+3A>G (NM_001353958.2, NM_001353957.2, NM_001165964.3); c.2415+3A>G (NM_001202435.3, NM_001353948.2); c.2379+3A>G (NM_001353955.2, NM_001353954.2); c.2328+3A>G (NM_001353960.2).
Identifiers: ClinVar variation 3602575 (VCV003602575.2).